The following is an entry in ClinVar:

NM_000070.3(CAPN3):c.309G>A (p.Pro103=)

Gene: CAPN3 (calpain 3; plus strand). Cytogenetic location: 15q15.1.
Variant type: single nucleotide variant.
Coding change: c.309G>A on transcript NM_000070.3 (MANE Select); coding-DNA position 309, G replaced by A.
Protein change: p.Pro103=; no amino-acid change (proline 103 retained).
Molecular consequence: synonymous variant.
Genome position (GRCh38, 1-based): chr15:42,360,114, G>A. VCF-style: chr15-42360114-G-A. GRCh37 (hg19) VCF-style: chr15-42652312-G-A.
Other names: c.309G>A, p.Pro103= (NM_024344.2, NM_173087.2).
Identifiers: ClinVar variation 552569 (VCV000552569.8), dbSNP rs376146681, ClinGen allele CA7510894.

ClinVar aggregate classification (germline): Uncertain significance. Review status: criteria provided, multiple submitters, no conflicts (2 of 4 stars). 4 submissions from 4 submitters: Uncertain significance (3). 1 of the submissions does not count toward it. Last evaluated 2025-10-01.

Conditions:
Autosomal recessive limb-girdle muscular dystrophy type 2A (LGMDR1). Also called: Limb-girdle muscular dystrophy, type 2A; Muscular dystrophy, limb-girdle, type 2A, Amish; Calpainopathy; LEYDEN-MOEBIUS MUSCULAR DYSTROPHY; MUSCULAR DYSTROPHY, PELVOFEMORAL. Identifiers: Orphanet 267, MedGen C1869123, MONDO:0009675, OMIM 253600. Disease mechanism: loss of function.

Allele frequency attached by ClinVar (database versions not stated): gnomAD 0.00001; gnomAD exomes 0.00001; TOPMed 0.00001; ExAC 0.00002; ESP Exome Variant Server 0.00008.
gnomAD v4.1: 31 of 1,614,028 alleles (0.0019%); highest among the groups gnomAD compares: South Asian, 0.0088%; no homozygotes.

Submissions (4):

Labcorp Genetics (formerly Invitae), Labcorp
Classification: Uncertain significance for Autosomal recessive limb-girdle muscular dystrophy type 2A. Last evaluated: 2025-10-01. Review status: criteria provided, single submitter. Criteria: Invitae Variant Classification Sherloc (09022015). Collection method: clinical testing. Allele origin: germline.
Comment: This sequence change affects codon 103 of the CAPN3 mRNA. It is a 'silent' change, meaning that it does not change the encoded amino acid sequence of the CAPN3 protein. This variant also falls at the last nucleotide of exon 1, which is part of the consensus splice site for this exon. This variant is present in population databases (rs376146681, gnomAD 0.007%). This variant has been observed in individuals with autosomal recessive Limb-Girdle Muscular Dystrophy (PMID: 18563459, 30919934). ClinVar contains an entry for this variant (Variation ID: 552569). Variants that disrupt the consensus splice site are a relatively common cause of aberrant splicing (PMID: 17576681, 9536098). Algorithms developed to predict the effect of sequence changes on RNA splicing suggest that this variant is not likely to affect RNA splicing. In summary, the available evidence is currently insufficient to determine the role of this variant in disease. Therefore, it has been classified as a Variant of Uncertain Significance.

Blueprint Genetics
Classification: Uncertain significance. Last evaluated: 2023-12-20. Review status: criteria provided, single submitter. Criteria: ACMG Guidelines, 2015. Collection method: clinical testing. Allele origin: germline.

GeneDx
Classification: Uncertain significance. Last evaluated: 2020-03-11. Review status: criteria provided, single submitter. Criteria: GeneDx Variant Classification Process June 2021. Collection method: clinical testing. Allele origin: germline. Affected: yes.
Comment: Reported along with a pathogenic variant in CAPN3 in a patient with LGMD in published literature; however, segregation information was not provided (Ten Dam et al., 2019); Reported along with a second variant in CAPN3 in a patient with LGMD2A in published literature; however, segregation information was not provided (Blazquez et al., 2008); In-silico analysis, which includes splice predictors and evolutionary conservation, is inconclusive as to whether the variant alters gene splicing. In the absence of RNA/functional studies, the actual effect of this sequence change is unknown.; Not observed at a significant frequency in large population cohorts (Lek et al., 2016); This variant is associated with the following publications: (PMID: 18563459, 30919934)

Counsyl
Classification: Uncertain significance for Autosomal recessive limb-girdle muscular dystrophy type 2A. Last evaluated: 2017-06-19. Review status: no assertion criteria provided. Collection method: clinical testing. Allele origin: unknown. Not counted in ClinVar's aggregate classification.

Literature cited by the submitters: PubMed 18563459 (cited by Labcorp Genetics (formerly Invitae), Labcorp and Counsyl); PubMed 30919934 (cited by Labcorp Genetics (formerly Invitae), Labcorp); PubMed 17576681 (cited by Labcorp Genetics (formerly Invitae), Labcorp); PubMed 9536098 (cited by Labcorp Genetics (formerly Invitae), Labcorp).